The following is an entry in ClinVar:

ClinVar aggregate classification (germline): Uncertain significance. Review status: criteria provided, single submitter (1 of 4 stars). 2 submissions from 2 submitters: Uncertain significance (1). 1 of the submissions does not count toward it. Last evaluated 2021-10-14.

Conditions:
Severe combined immunodeficiency, autosomal recessive, T cell-negative, B cell-negative, NK cell-negative, due to adenosine deaminase deficiency. Also called: ADA deficiency; Adenosine deaminase deficient severe combined immunodeficiency; Severe combined immunodeficiency due to ADA deficiency; ADA-SCID; Adenosine Deaminase Deficiency; SCID DUE TO ADA DEFICIENCY. Identifiers: Orphanet 277, MedGen C0392607, MONDO:0007064, OMIM 102700.

Allele frequency attached by ClinVar (database versions not stated): gnomAD exomes 0.00002; gnomAD 0.00003; TOPMed 0.00003; ExAC 0.00005.
gnomAD v4.1: 28 of 1,614,116 alleles (0.0017%); highest among the groups gnomAD compares: Middle Eastern, 0.016%; no homozygotes.

Submissions (2):

Labcorp Genetics (formerly Invitae), Labcorp
Classification: Uncertain significance for Severe combined immunodeficiency, autosomal recessive, T cell-negative, B cell-negative, NK cell-negative, due to adenosine deaminase deficiency. Last evaluated: 2021-10-14. Review status: criteria provided, single submitter. Criteria: Invitae Variant Classification Sherloc (09022015). Collection method: clinical testing. Allele origin: germline.
Comment: This sequence change replaces alanine with threonine at codon 247 of the ADA protein (p.Ala247Thr). The alanine residue is weakly conserved and there is a small physicochemical difference between alanine and threonine. This variant is present in population databases (rs754578956, ExAC 0.009%). This variant has not been reported in the literature in individuals affected with ADA-related conditions. Algorithms developed to predict the effect of missense changes on protein structure and function output the following: SIFT: "Tolerated"; PolyPhen-2: "Benign"; Align-GVGD: "Class C0". The threonine amino acid residue is found in multiple mammalian species, which suggests that this missense change does not adversely affect protein function. In summary, the available evidence is currently insufficient to determine the role of this variant in disease. Therefore, it has been classified as a Variant of Uncertain Significance.

Natera, Inc.
Classification: Uncertain significance for Severe combined immunodeficiency due to ADA deficiency. Last evaluated: 2020-03-27. Review status: no assertion criteria provided. Collection method: clinical testing. Allele origin: germline. Not counted in ClinVar's aggregate classification.

NM_000022.4(ADA):c.739G>A (p.Ala247Thr)

Gene: ADA (adenosine deaminase; minus strand). Cytogenetic location: 20q13.12.
Variant type: single nucleotide variant.
Coding change: c.739G>A on transcript NM_000022.4 (MANE Select); coding-DNA position 739, G replaced by A.
Protein change: p.Ala247Thr; replaces alanine 247 with threonine.
Molecular consequence: missense variant. On other transcripts: non-coding transcript variant (1).
Genome position (GRCh38, 1-based): chr20:44,622,870, C>T on the plus strand (G>A on the coding strand, the complement: ADA is on the minus strand). VCF-style: chr20-44622870-C-T. GRCh37 (hg19) VCF-style: chr20-43251511-C-T.
Other names: c.334G>A, p.Ala112Thr (NM_001322050.2); c.667G>A, p.Ala223Thr (NM_001322051.2); short protein forms A223T, A112T, A247T.
Identifiers: ClinVar variation 970323 (VCV000970323.6), dbSNP rs754578956, ClinGen allele CA9871543.